The following is an entry in ClinVar:

NM_000219.6(KCNE1):c.316T>A (p.Cys106Ser)

Gene: KCNE1 (potassium voltage-gated channel subfamily E regulatory subunit 1; minus strand). Cytogenetic location: 21q22.12.
Variant type: single nucleotide variant.
Coding change: c.316T>A on transcript NM_000219.6 (MANE Select); coding-DNA position 316, T replaced by A.
Protein change: p.Cys106Ser; replaces cysteine 106 with serine.
Molecular consequence: missense variant.
Genome position (GRCh38, 1-based): chr21:34,449,319, A>T on the plus strand (T>A on the coding strand, the complement: KCNE1 is on the minus strand). VCF-style: chr21-34449319-A-T. GRCh37 (hg19) VCF-style: chr21-35821617-A-T.
Other names: c.316T>A, p.Cys106Ser (NM_001127668.4, NM_001127669.4, NM_001127670.4 and 4 more transcripts); short protein forms C106S.
Identifiers: ClinVar variation 3374616 (VCV003374616.2).

Conditions:
Long QT syndrome 5 (LQT5). Identifiers: Orphanet 101016, Orphanet 768, MedGen C1867904, MONDO:0013372, OMIM 613695.

Submission:

Roden Lab, Vanderbilt University Medical Center
No classification provided (evidence only). Condition: Long QT syndrome 5. Review status: no classification provided. Collection method: in vitro. Allele origin: not applicable. Functional consequence: Effect on ion channel function.
ClinVar note: "not provided" was previously submitted as the classification for the variant. However, the classification appeared to be based only on an observation of functional data so it was converted to no classification on 2025-07-30.